The following is an entry in ClinVar:

ClinVar aggregate classification (germline): Uncertain significance (1 of 4 stars; one submission).

Conditions:
Spastic paraplegia. Identifiers: MedGen C0037772, HP:0001258.

Submission:

Labcorp Genetics (formerly Invitae), Labcorp
Classification: Uncertain significance for Spastic paraplegia. Last evaluated: 2026-01-12. Review status: criteria provided, single submitter. Criteria: Invitae Variant Classification Sherloc (09022015). Collection method: clinical testing. Allele origin: germline.
Comment: This variant, c.1002_1003delinsAT, is a complex sequence change that results in the deletion of 2 and insertion of 2 amino acid(s) in the RTN2 protein (p.Ser334_Leu335delinsArgPhe). Information on the frequency of this variant in the gnomAD database is not available, as this variant may be reported differently in the database. This variant has not been reported in the literature in individuals affected with RTN2-related conditions. ClinVar contains an entry for this variant (Variation ID: 3660376). Experimental studies and prediction algorithms are not available or were not evaluated, and the functional significance of this variant is currently unknown. In summary, the available evidence is currently insufficient to determine the role of this variant in disease. Therefore, it has been classified as a Variant of Uncertain Significance.

NM_005619.5(RTN2):c.1002_1003delinsAT (p.Ser334_Leu335delinsArgPhe)

Genes: OPA3-RTN2 (OPA3-RTN2 readthrough; minus strand), RTN2 (reticulon 2; minus strand). Cytogenetic location: 19q13.32.
Variant type: Indel.
Coding change: c.1002_1003delinsAT on transcript NM_005619.5 (MANE Select); coding-DNA positions 1002 to 1003, CC replaced by AT.
Protein change: p.Ser334_Leu335delinsArgPhe.
Molecular consequence: missense variant. On other transcripts: 5 prime UTR variant (1), intron variant (1).
Genome position (GRCh38, 1-based): chr19:45,493,190-45,493,191, GG replaced by AT on the plus strand (CC replaced by AT on the coding strand, the reverse complement: RTN2 is on the minus strand). VCF-style: chr19-45493190-GG-AT. GRCh37 (hg19) VCF-style: chr19-45996448-GG-AT.
Other names: c.-19_-18delinsAT (NM_206901.3); c.814+975_814+976delinsAT (NM_206900.3).
Identifiers: ClinVar variation 3660376 (VCV003660376.2).